The following is an entry in ClinVar:

NM_032229.3(SLITRK6):c.749C>T (p.Pro250Leu)

Gene: SLITRK6 (SLIT and NTRK like family member 6; minus strand). Cytogenetic location: 13q31.1.
Variant type: single nucleotide variant.
Coding change: c.749C>T on transcript NM_032229.3 (MANE Select); coding-DNA position 749, C replaced by T.
Protein change: p.Pro250Leu; replaces proline 250 with leucine.
Molecular consequence: missense variant.
Genome position (GRCh38, 1-based): chr13:85,795,760, G>A on the plus strand (C>T on the coding strand, the complement: SLITRK6 is on the minus strand). VCF-style: chr13-85795760-G-A. GRCh37 (hg19) VCF-style: chr13-86369895-G-A.
Other names: short protein forms P250L.
Identifiers: ClinVar variation 1305665 (VCV001305665.3), dbSNP rs2137169844, ClinGen allele CA388379826.

ClinVar aggregate classification (germline): Uncertain significance (1 of 4 stars; one submission).

Submission:

GeneDx
Classification: Uncertain significance. Last evaluated: 2025-12-11. Review status: criteria provided, single submitter. Criteria: GeneDx Variant Classification Process June 2021. Collection method: clinical testing. Allele origin: germline. Affected: yes.
Comment: Not observed at significant frequency in large population cohorts (gnomAD); In silico analysis supports that this missense variant has a deleterious effect on protein structure/function; Has not been previously published as pathogenic or benign to our knowledge